The following is an entry in ClinVar:

NM_000744.7(CHRNA4):c.1223T>C (p.Phe408Ser)

Gene: CHRNA4 (cholinergic receptor nicotinic alpha 4 subunit; minus strand). Cytogenetic location: 20q13.33.
Variant type: single nucleotide variant.
Coding change: c.1223T>C on transcript NM_000744.7 (MANE Select); coding-DNA position 1223, T replaced by C.
Protein change: p.Phe408Ser; replaces phenylalanine 408 with serine.
Molecular consequence: missense variant. On other transcripts: non-coding transcript variant (1).
Genome position (GRCh38, 1-based): chr20:63,350,188, A>G on the plus strand (T>C on the coding strand, the complement: CHRNA4 is on the minus strand). VCF-style: chr20-63350188-A-G. GRCh37 (hg19) VCF-style: chr20-61981540-A-G.
Other names: c.695T>C, p.Phe232Ser (NM_001256573.2); short protein forms F232S, F408S.
Identifiers: ClinVar variation 1723520 (VCV001723520.4), dbSNP rs1259004952, ClinGen allele CA409634065.

ClinVar aggregate classification (germline): Uncertain significance. Review status: criteria provided, multiple submitters, no conflicts (2 of 4 stars). 2 submissions from 2 submitters: Uncertain significance (2). Last evaluated 2026-04-01.

Submissions (2):

CeGaT Center for Human Genetics Tuebingen
Classification: Uncertain significance. Last evaluated: 2026-04-01. Review status: criteria provided, single submitter. Criteria: CeGaT Center For Human Genetics Tuebingen Variant Classification Criteria Version 2. Collection method: clinical testing. Allele origin: germline. Affected: yes. Observed: 1 variant allele.
Comment: CHRNA4: PM2, BP4

GeneDx
Classification: Uncertain significance. Last evaluated: 2022-05-10. Review status: criteria provided, single submitter. Criteria: GeneDx Variant Classification Process June 2021. Collection method: clinical testing. Allele origin: germline. Affected: yes.
Comment: Not observed at significant frequency in large population cohorts (gnomAD); In silico analysis supports that this missense variant does not alter protein structure/function; Has not been previously published as pathogenic or benign to our knowledge